The following is an entry in ClinVar:

ClinVar aggregate classification (germline): Uncertain significance (1 of 4 stars; one submission).

Allele frequency attached by ClinVar (database versions not stated): ExAC 0.00001; TOPMed 0.00001; gnomAD 0.00002.
gnomAD v4.1: 3 of 1,614,210 alleles (0.00019%); highest among the groups gnomAD compares: African/African-American, 0.004%; no homozygotes.

Submission:

Labcorp Genetics (formerly Invitae), Labcorp
Classification: Uncertain significance. Last evaluated: 2023-08-08. Review status: criteria provided, single submitter. Criteria: Invitae Variant Classification Sherloc (09022015). Collection method: clinical testing. Allele origin: germline.
Comment: In summary, the available evidence is currently insufficient to determine the role of this variant in disease. Therefore, it has been classified as a Variant of Uncertain Significance. An algorithm developed to predict the effect of missense changes on protein structure and function (PolyPhen-2) suggests that this variant is likely to be tolerated. This variant has not been reported in the literature in individuals affected with KANK4-related conditions. This variant is present in population databases (rs761442682, gnomAD 0.008%). This sequence change replaces glycine, which is neutral and non-polar, with alanine, which is neutral and non-polar, at codon 408 of the KANK4 protein (p.Gly408Ala).

NM_181712.5(KANK4):c.1223G>C (p.Gly408Ala)

Gene: KANK4 (KN motif and ankyrin repeat domains 4; minus strand). Cytogenetic location: 1p31.3.
Variant type: single nucleotide variant.
Coding change: c.1223G>C on transcript NM_181712.5 (MANE Select); coding-DNA position 1223, G replaced by C.
Protein change: p.Gly408Ala; replaces glycine 408 with alanine.
Molecular consequence: missense variant. On other transcripts: intron variant (1).
Genome position (GRCh38, 1-based): chr1:62,273,881, C>G on the plus strand (G>C on the coding strand, the complement: KANK4 is on the minus strand). VCF-style: chr1-62273881-C-G. GRCh37 (hg19) VCF-style: chr1-62739553-C-G.
Other names: c.17-2292G>C (NM_001320269.2); short protein forms G408A.
Identifiers: ClinVar variation 2783660 (VCV002783660.3), dbSNP rs761442682, ClinGen allele CA884423.
Genomic context (GRCh38, chr1:62,273,881, plus strand): 5'-CACGACTCCCTGGTCAAGAGTCCATGGACAGGGTCAGTGTTCACCATCACGTCCGTCTGG[C>G]CCTGAGTGTCTTTGGCGTTCTCTTGGTGAAACTGTCCTTCCAGTTGGGCTACAGTGAACT-3'
Protein context (NP_859063.3, residues 398-418): FHQENAKDTQ[Gly408Ala]QTDVMVNTDP